The following is an entry in ClinVar:

ClinVar aggregate classification (germline): Likely benign. Review status: criteria provided, multiple submitters, no conflicts (2 of 4 stars). 2 submissions from 2 submitters: Likely benign (2). Last evaluated 2026-01-13.

Conditions:
Renal cell carcinoma. Identifiers: Orphanet 217071, MedGen C0007134, MeSH D002292, MONDO:0005086, HP:0005584.
Papillary renal cell carcinoma type 1 (RCCP1). Also called: RENAL CELL CARCINOMA, PAPILLARY, 1, SOMATIC; Renal adenocarcinoma; Renal cell carcinoma 1; Renal cell carcinoma, somatic. Identifiers: Orphanet 47044, MedGen C1336839, OMIM 605074, HP:0011797.

gnomAD v4.1: 3 of 1,613,788 alleles (0.00019%); highest among the groups gnomAD compares: Non-Finnish European, 0.00025%; no homozygotes.

Submissions (2):

Labcorp Genetics (formerly Invitae), Labcorp
Classification: Likely benign for Renal cell carcinoma. Last evaluated: 2026-01-13. Review status: criteria provided, single submitter. Criteria: Invitae Variant Classification Sherloc (09022015). Collection method: clinical testing. Allele origin: germline.

Myriad Genetics, Inc.
Classification: Likely benign for Papillary renal cell carcinoma type 1. Last evaluated: 2024-11-07. Review status: criteria provided, single submitter. Criteria: Myriad Autosomal Dominant, Autosomal Recessive and X-Linked Classification Criteria (2023). Collection method: clinical testing. Allele origin: unknown.
Comment: This variant is considered likely benign. This variant is intronic and is not expected to impact mRNA splicing.

NM_000245.4(MET):c.1528-15C>T

Gene: MET (MET proto-oncogene, receptor tyrosine kinase; plus strand). Cytogenetic location: 7q31.2.
Variant type: single nucleotide variant.
Coding change: c.1528-15C>T on transcript NM_000245.4 (MANE Select); 15 bases into the intron before coding-DNA position 1528, C replaced by T.
Molecular consequence: intron variant.
Genome position (GRCh38, 1-based): chr7:116,740,837, C>T. VCF-style: chr7-116740837-C-T. GRCh37 (hg19) VCF-style: chr7-116380891-C-T.
Other names: c.1528-15C>T (NM_001127500.3, NM_001324401.3); c.238-15C>T (NM_001324402.2).
Identifiers: ClinVar variation 3717609 (VCV003717609.3).